The following is an entry in ClinVar:

ClinVar aggregate classification (germline): Likely pathogenic (1 of 4 stars; one submission).

Conditions:
Amyotrophic lateral sclerosis type 1 (ALS1). Also called: AMYOTROPHIC LATERAL SCLEROSIS 1, FAMILIAL. Identifiers: Orphanet 803, MedGen C1862939, MONDO:0007103, OMIM 105400.

gnomAD v4.1: 2 of 1,613,320 alleles (0.00012%); highest among the groups gnomAD compares: South Asian, 0.0022%; no homozygotes.

Submission:

Human Genome Lab, NIMHANS, National Institute of Mental Health and Neuro Sciences
Classification: Likely pathogenic for Amyotrophic lateral sclerosis type 1. Last evaluated: 2025-04-17. Review status: criteria provided, single submitter. Criteria: ACMG Guidelines, 2015. Collection method: clinical testing. Allele origin: germline. Inheritance: Autosomal dominant inheritance. Affected: yes. Observed: 1 homozygote.
Comment: The SOD1 gene encodes superoxide dismutase-1, a cytoplasmic antioxidant enzyme that metabolizes superoxide radicals to molecular oxygen and hydrogen peroxide, thus providing a defense against oxygen toxicity.The c.68A>G p.Gln23Arg variant results in the substitution of glutamine with arginine at the 23rd amino acid position of the SOD1 protein. This missense mutation has been reported in a patient with familial amyotrophic lateral sclerosis (fALS), a progressive neurodegenerative disorder characterized by the loss of motor neurons in the brain and spinal cord [3].

NM_000454.5(SOD1):c.68A>G (p.Gln23Arg)

Genes: SOD1-DT (SOD1 divergent transcript; minus strand), SOD1 (superoxide dismutase 1; plus strand). Cytogenetic location: 21q22.11.
Variant type: single nucleotide variant.
Coding change: c.68A>G on transcript NM_000454.5 (MANE Select); coding-DNA position 68, A replaced by G.
Protein change: p.Gln23Arg; replaces glutamine 23 with arginine.
Molecular consequence: missense variant. On other transcripts: non-coding transcript variant (1).
Genome position (GRCh38, 1-based): chr21:31,659,837, A>G. VCF-style: chr21-31659837-A-G. GRCh37 (hg19) VCF-style: chr21-33032150-A-G.
Other names: p.Gln23Arg; short protein forms Q23R.
Identifiers: ClinVar variation 3778880 (VCV003778880.1).